The following is an entry in ClinVar:

ClinVar aggregate classification (germline): Uncertain significance. Review status: criteria provided, multiple submitters, no conflicts (2 of 4 stars). 2 submissions from 2 submitters: Uncertain significance (2). Last evaluated 2025-04-13.

Conditions:
Inborn genetic diseases. Identifiers: MedGen C0950123, MeSH D030342.

Allele frequency attached by ClinVar (database versions not stated): ExAC 0.00001; gnomAD exomes 0.00002; gnomAD 0.00003; TOPMed 0.00003.
gnomAD v4.1: 29 of 1,614,088 alleles (0.0018%); highest among the groups gnomAD compares: Non-Finnish European, 0.0024%; no homozygotes.

Submissions (2):

Ambry Genetics
Classification: Uncertain significance for Inborn genetic diseases. Last evaluated: 2025-04-13. Review status: criteria provided, single submitter. Criteria: Ambry Variant Classification Scheme 2023. Collection method: clinical testing. Allele origin: germline.

Labcorp Genetics (formerly Invitae), Labcorp
Classification: Uncertain significance. Last evaluated: 2022-03-27. Review status: criteria provided, single submitter. Criteria: Invitae Variant Classification Sherloc (09022015). Collection method: clinical testing. Allele origin: germline.
Comment: In summary, the available evidence is currently insufficient to determine the role of this variant in disease. Therefore, it has been classified as a Variant of Uncertain Significance. Advanced modeling of protein sequence and biophysical properties (such as structural, functional, and spatial information, amino acid conservation, physicochemical variation, residue mobility, and thermodynamic stability) performed at Invitae indicates that this missense variant is expected to disrupt KRT6C protein function. This variant has not been reported in the literature in individuals affected with KRT6C-related conditions. This variant is present in population databases (rs760159262, gnomAD 0.004%). This sequence change replaces aspartic acid, which is acidic and polar, with histidine, which is basic and polar, at codon 331 of the KRT6C protein (p.Asp331His).

NM_173086.5(KRT6C):c.991G>C (p.Asp331His)

Gene: KRT6C (keratin 6C; minus strand). Cytogenetic location: 12q13.13.
Variant type: single nucleotide variant.
Coding change: c.991G>C on transcript NM_173086.5 (MANE Select); coding-DNA position 991, G replaced by C.
Protein change: p.Asp331His; replaces aspartic acid 331 with histidine.
Molecular consequence: missense variant.
Genome position (GRCh38, 1-based): chr12:52,471,218, C>G on the plus strand (G>C on the coding strand, the complement: KRT6C is on the minus strand). VCF-style: chr12-52471218-C-G. GRCh37 (hg19) VCF-style: chr12-52865002-C-G.
Other names: c.991G>C (NM_173086.4); short protein forms D331H.
Identifiers: ClinVar variation 2191222 (VCV002191222.6), dbSNP rs760159262, ClinGen allele CA6581311.